The following is an entry in ClinVar:

NM_001395413.1(POR):c.1405G>A (p.Val469Met)

Gene: POR (cytochrome p450 oxidoreductase; plus strand). Cytogenetic location: 7q11.23.
Variant type: single nucleotide variant.
Coding change: c.1405G>A on transcript NM_001395413.1 (MANE Select); coding-DNA position 1405, G replaced by A.
Protein change: p.Val469Met; replaces valine 469 with methionine.
Molecular consequence: missense variant.
Genome position (GRCh38, 1-based): chr7:75,985,594, G>A. VCF-style: chr7-75985594-G-A. GRCh37 (hg19) VCF-style: chr7-75614912-G-A.
Other names: c.1405G>A, p.Val469Met (NM_001367562.3, NM_001382657.2, NM_001382658.3 and 1 more transcripts); c.1459G>A, p.Val487Met (NM_001382655.3); c.1255G>A, p.Val419Met (NM_001382662.3); short protein forms V419M, V469M, V487M.
Identifiers: ClinVar variation 718192 (VCV000718192.26), dbSNP rs72557946, ClinGen allele CA4304135.
Genomic context (GRCh38, chr7:75,985,594, plus strand): 5'-AAGGGCCTCGGTGTGGCGGTGGAGCTCACACGGCCCTCCCCACAGGTCCACCCCAACTCT[G>A]TGCACATCTGTGCGGTGGTTGTGGAGTACGAGACCAAGGCTGGCCGCATCAACAAGGGCG-3'
Protein context (NP_001382342.1, residues 459-479): ASSSKVHPNS[Val469Met]HICAVVVEYE

ClinVar aggregate classification (germline): Conflicting classifications of pathogenicity. Review status: criteria provided, conflicting classifications (1 of 4 stars). 6 submissions from 6 submitters: Uncertain significance (2); Likely benign (3). 1 of the submissions does not count toward it. Last evaluated 2026-01-28.

Conditions:
POR-related disorder. Also called: POR-related condition.
Congenital adrenal hyperplasia due to cytochrome P450 oxidoreductase deficiency. Also called: DISORDERED STEROIDOGENESIS DUE TO POR DEFICIENCY. Identifiers: Orphanet 95699, MedGen C1860042, MONDO:0013310, OMIM 613571.

Allele frequency attached by ClinVar (database versions not stated): 1000 Genomes Project 30x 0.00031; 1000 Genomes Project 0.00040; ESP Exome Variant Server 0.00081; TOPMed 0.00151.
gnomAD v4.1: 486 of 1,562,528 alleles (0.031%); highest among the groups gnomAD compares: African/African-American, 0.58%; 3 homozygotes.

Submissions (6):

Labcorp Genetics (formerly Invitae), Labcorp
Classification: Likely benign for Congenital adrenal hyperplasia due to cytochrome P450 oxidoreductase deficiency. Last evaluated: 2026-01-28. Review status: criteria provided, single submitter. Criteria: Invitae Variant Classification Sherloc (09022015). Collection method: clinical testing. Allele origin: germline.

Women's Health and Genetics/Laboratory Corporation of America, LabCorp
Classification: Likely benign. Last evaluated: 2023-06-02. Review status: criteria provided, single submitter. Criteria: LabCorp Variant Classification Summary - May 2015. Collection method: clinical testing. Allele origin: germline.
Comment: Variant summary: POR c.1405G>A (p.Val469Met) results in a conservative amino acid change in the encoded protein sequence. Two of three in-silico tools predict a damaging effect of the variant on protein function. The variant allele was found at a frequency of 0.00038 in 203030 control chromosomes, predominantly at a frequency of 0.0053 within the African or African-American subpopulation in the gnomAD database, including 1 homozygote. The observed variant frequency within African or African-American control individuals in the gnomAD database is approximately 6 fold of the estimated maximal expected allele frequency for a pathogenic variant in POR causing Congenital Adrenal Hyperplasia phenotype (0.00091), strongly suggesting that the variant is a benign polymorphism found primarily in populations of African or African-American origin. To our knowledge, no occurrence of c.1405G>A in individuals affected with Congenital Adrenal Hyperplasia has been reported. At least one publication reports experimental evidence evaluating an impact on protein function. The most pronounced variant effect results in >50%-90% of normal cytochrome P450 enzyme activity (Agrawal_2008). The following publications have been ascertained in the context of this evaluation (PMID: 18551037, 18230729). Four clinical diagnostic laboratories have submitted clinical-significance assessments for this variant to ClinVar after 2014 without evidence for independent evaluation, classifying the variant as likely benign (n=2) or uncertain significance (n=2). Based on the evidence outlined above, the variant was classified as likely benign.

GeneDx
Classification: Uncertain significance. Last evaluated: 2023-03-30. Review status: criteria provided, single submitter. Criteria: GeneDx Variant Classification Process June 2021. Collection method: clinical testing. Allele origin: germline. Affected: yes.
Comment: Has not been previously published as pathogenic or benign to our knowledge; Published functional studies demonstrate a significant reduction in catalytic activity compared to wildtype (Huang et al., 2008); In silico analysis supports that this missense variant does not alter protein structure/function; This variant is associated with the following publications: (PMID: 18551037, 18230729)

ARUP Laboratories, Molecular Genetics and Genomics, ARUP Laboratories
Classification: Likely benign. Last evaluated: 2020-07-02. Review status: criteria provided, single submitter. Criteria: ARUP Molecular Germline Variant Investigation Process. Collection method: clinical testing. Allele origin: germline.

Genetic Services Laboratory, University of Chicago
Classification: Uncertain significance. Last evaluated: 2018-08-24. Review status: criteria provided, single submitter. Criteria: ACMG Guidelines, 2015. Collection method: clinical testing. Allele origin: germline. Affected: no.

PreventionGenetics, part of Exact Sciences
Classification: Likely benign for POR-related condition. Last evaluated: 2019-07-08. Review status: no assertion criteria provided. Collection method: clinical testing. Allele origin: germline. Not counted in ClinVar's aggregate classification.
Comment: This variant is classified as likely benign based on ACMG/AMP sequence variant interpretation guidelines (Richards et al. 2015 PMID: 25741868, with internal and published modifications).

Literature cited by the submitters: PubMed 18551037 (cited by Women's Health and Genetics/Laboratory Corporation of America, LabCorp); PubMed 18230729 (cited by Women's Health and Genetics/Laboratory Corporation of America, LabCorp).